The following is an entry in ClinVar:

ClinVar aggregate classification (germline): Uncertain significance (1 of 4 stars; one submission).

Conditions:
Muscular dystrophy-dystroglycanopathy (congenital with brain and eye anomalies), type A2. Also called: MUSCULAR DYSTROPHY-DYSTROGLYCANOPATHY (CONGENITAL WITH BRAIN AND EYE ANOMALIES), TYPE A, 2; WALKER-WARBURG SYNDROME OR MUSCLE-EYE-BRAIN DISEASE, POMT2-RELATED. Identifiers: Orphanet 588, Orphanet 899, MedGen C3150411, MONDO:0013154, OMIM 613150.
Autosomal recessive limb-girdle muscular dystrophy type 2N. Also called: MUSCULAR DYSTROPHY-DYSTROGLYCANOPATHY, LIMB-GIRDLE, POMT2-RELATED; Muscular dystrophy-dystroglycanopathy (limb-girdle), type C, 2. Identifiers: Orphanet 206559, MedGen C3150418, MONDO:0013162, OMIM 613158.
Muscular dystrophy-dystroglycanopathy (congenital with impaired intellectual development), type B, 2. Also called: MUSCULAR DYSTROPHY, CONGENITAL, POMT2-RELATED; Muscular dystrophy-dystroglycanopathy (congenital with intellectual disability), type B2. Identifiers: MedGen C3150416, MONDO:0013160, OMIM 613156.

Allele frequency attached by ClinVar (database versions not stated): TOPMed below 0.00001; gnomAD 0.00001.
gnomAD v4.1: 12 of 1,611,958 alleles (0.00074%); highest among the groups gnomAD compares: African/African-American, 0.0013%; no homozygotes.

Submission:

Labcorp Genetics (formerly Invitae), Labcorp
Classification: Uncertain significance for Muscular dystrophy-dystroglycanopathy (congenital with impaired intellectual development), type B, 2; Muscular dystrophy-dystroglycanopathy (congenital with brain and eye anomalies), type A2; Autosomal recessive limb-girdle muscular dystrophy type 2N. Last evaluated: 2023-07-07. Review status: criteria provided, single submitter. Criteria: Invitae Variant Classification Sherloc (09022015). Collection method: clinical testing. Allele origin: germline.
Comment: ClinVar contains an entry for this variant (Variation ID: 1423908). This variant has not been reported in the literature in individuals affected with POMT2-related conditions. This variant is present in population databases (rs141248257, gnomAD 0.0009%). This sequence change replaces glutamine, which is neutral and polar, with histidine, which is basic and polar, at codon 499 of the POMT2 protein (p.Gln499His). In summary, the available evidence is currently insufficient to determine the role of this variant in disease. Therefore, it has been classified as a Variant of Uncertain Significance. Advanced modeling of protein sequence and biophysical properties (such as structural, functional, and spatial information, amino acid conservation, physicochemical variation, residue mobility, and thermodynamic stability) has been performed at Invitae for this missense variant, however the output from this modeling did not meet the statistical confidence thresholds required to predict the impact of this variant on POMT2 protein function.

NM_013382.7(POMT2):c.1497G>C (p.Gln499His)

Gene: POMT2 (protein O-mannosyltransferase 2; minus strand). Cytogenetic location: 14q24.3.
Variant type: single nucleotide variant.
Coding change: c.1497G>C on transcript NM_013382.7 (MANE Select); coding-DNA position 1497, G replaced by C.
Protein change: p.Gln499His; replaces glutamine 499 with histidine.
Molecular consequence: missense variant.
Genome position (GRCh38, 1-based): chr14:77,285,029, C>G on the plus strand (G>C on the coding strand, the complement: POMT2 is on the minus strand). VCF-style: chr14-77285029-C-G. GRCh37 (hg19) VCF-style: chr14-77751372-C-G.
Other names: short protein forms Q499H.
Identifiers: ClinVar variation 1423908 (VCV001423908.7), dbSNP rs141248257, ClinGen allele CA7285828.